The following is an entry in ClinVar:

NM_005732.4(RAD50):c.756+2T>C

Gene: RAD50 (RAD50 double strand break repair protein; plus strand). Cytogenetic location: 5q31.1.
Variant type: single nucleotide variant.
Coding change: c.756+2T>C on transcript NM_005732.4 (MANE Select); the canonical splice donor site of the intron after coding-DNA position 756, T replaced by C.
Molecular consequence: splice donor variant.
Genome position (GRCh38, 1-based): chr5:132,580,068, T>C. VCF-style: chr5-132580068-T-C. GRCh37 (hg19) VCF-style: chr5-131915760-T-C.
Identifiers: ClinVar variation 185222 (VCV000185222.53), dbSNP rs764122619, ClinGen allele CA191367.

ClinVar aggregate classification (germline): Pathogenic/Likely pathogenic. Review status: criteria provided, multiple submitters, no conflicts (2 of 4 stars). 5 submissions from 5 submitters: Pathogenic (1); Likely pathogenic (4). Last evaluated 2025-03-04.

Conditions:
Hereditary cancer-predisposing syndrome. Also called: Tumor predisposition; Neoplastic Syndromes, Hereditary; Hereditary Cancer Syndrome; Hereditary neoplastic syndrome. Identifiers: Orphanet 140162, MedGen C0027672, MeSH D009386, MONDO:0015356.
Nijmegen breakage syndrome-like disorder (NBSLD). Also called: MICROCEPHALY AND SPONTANEOUS CHROMOSOME INSTABILITY WITHOUT IMMUNODEFICIENCY; NBS-LIKE DISORDER; RAD50 DEFICIENCY. Identifiers: Orphanet 240760, MedGen C2751318, MONDO:0013118, OMIM 613078.

Allele frequency attached by ClinVar (database versions not stated): gnomAD exomes below 0.00001; ExAC 0.00001; gnomAD 0.00001; TOPMed 0.00001.
gnomAD v4.1: 7 of 1,603,402 alleles (0.00044%); highest among the groups gnomAD compares: Admixed American, 0.0017%; no homozygotes.

Submissions (5):

Center for Genomic Medicine, Rigshospitalet, Copenhagen University Hospital
Classification: Likely pathogenic. Last evaluated: 2025-03-04. Review status: criteria provided, single submitter. Criteria: ACMG Guidelines, 2015. Collection method: clinical testing. Allele origin: germline.
Comment: Classification criteria: PVS1, PM2_Supporting

Ambry Genetics
Classification: Likely pathogenic for Hereditary cancer-predisposing syndrome. Last evaluated: 2024-06-14. Review status: criteria provided, single submitter. Criteria: Ambry Variant Classification Scheme 2023. Collection method: clinical testing. Allele origin: germline.
Comment: The c.756+2T>C intronic variant results from a T to C substitution two nucleotides after coding exon 5 in the RAD50 gene. This alteration was identified in an individual who underwent hereditary cancer multi-gene panel testing (LaDuca H et al. Genet. Med., 2014 Nov;16:830-7). This variant is considered to be rare based on population cohorts in the Genome Aggregation Database (gnomAD). This nucleotide position is highly conserved in available vertebrate species. In silico splice site analysis predicts that this alteration will weaken the native splice donor site; however, direct evidence is insufficient at this time (Ambry internal data). Alterations that disrupt the canonical splice site are expected to cause aberrant splicing, resulting in an abnormal protein or a transcript that is subject to nonsense-mediated mRNA decay. As such, this alteration is classified as likely pathogenic.

Labcorp Genetics (formerly Invitae), Labcorp
Classification: Pathogenic for Hereditary cancer-predisposing syndrome. Last evaluated: 2024-04-22. Review status: criteria provided, single submitter. Criteria: Invitae Variant Classification Sherloc (09022015). Collection method: clinical testing. Allele origin: germline.
Comment: This sequence change affects a donor splice site in intron 5 of the RAD50 gene. RNA analysis indicates that disruption of this splice site induces altered splicing and may result in an absent or disrupted protein product. This variant is present in population databases (rs764122619, gnomAD 0.003%). This variant has not been reported in the literature in individuals affected with RAD50-related conditions. ClinVar contains an entry for this variant (Variation ID: 185222). Studies have shown that disruption of this splice site results in skipping of exon 5 and introduces a premature termination codon (Invitae). The resulting mRNA is expected to undergo nonsense-mediated decay. For these reasons, this variant has been classified as Pathogenic.

Baylor Genetics
Classification: Likely pathogenic for Nijmegen breakage syndrome-like disorder. Last evaluated: 2023-07-06. Review status: criteria provided, single submitter. Criteria: ACMG Guidelines, 2015. Collection method: clinical testing. Allele origin: unknown.

CeGaT Center for Human Genetics Tuebingen
Classification: Likely pathogenic. Last evaluated: 2021-08-01. Review status: criteria provided, single submitter. Criteria: CeGaT Center For Human Genetics Tuebingen Variant Classification Criteria Version 2. Collection method: clinical testing. Allele origin: germline. Affected: yes. Observed: 1 variant allele.

Literature cited by the submitters: PubMed 28152038 (cited by Ambry Genetics).